The following is an entry in ClinVar:

ClinVar aggregate classification (germline): Uncertain significance (1 of 4 stars; one submission).

Conditions:
Costello syndrome (CSTLO). Also called: FACIOCUTANEOSKELETAL SYNDROME; HRAS-Related Costello Syndrome; FCS SYNDROME. Identifiers: Orphanet 3071, MedGen C0587248, MONDO:0009026, OMIM 218040.

Submission:

Labcorp Genetics (formerly Invitae), Labcorp
Classification: Uncertain significance for Costello syndrome. Last evaluated: 2020-10-09. Review status: criteria provided, single submitter. Criteria: Invitae Variant Classification Sherloc (09022015). Collection method: clinical testing. Allele origin: germline.
Comment: In summary, the available evidence is currently insufficient to determine the role of this variant in disease. Therefore, it has been classified as a Variant of Uncertain Significance. Advanced modeling of protein sequence and biophysical properties (such as structural, functional, and spatial information, amino acid conservation, physicochemical variation, residue mobility, and thermodynamic stability) performed at Invitae indicates that this missense variant is not expected to disrupt HRAS protein function. This variant has not been reported in the literature in individuals with HRAS-related conditions. This variant is not present in population databases (ExAC no frequency). This sequence change replaces tyrosine with histidine at codon 157 of the HRAS protein (p.Tyr157His). The tyrosine residue is highly conserved and there is a moderate physicochemical difference between tyrosine and histidine.

NM_005343.4(HRAS):c.469T>C (p.Tyr157His)

Genes: LRRC56 (leucine rich repeat containing 56; plus strand), HRAS (HRas proto-oncogene, GTPase; minus strand). Cytogenetic location: 11p15.5.
Variant type: single nucleotide variant.
Coding change: c.469T>C on transcript NM_005343.4 (MANE Select); coding-DNA position 469, T replaced by C.
Protein change: p.Tyr157His; replaces tyrosine 157 with histidine.
Molecular consequence: missense variant. On other transcripts: 3 prime UTR variant (1).
Genome position (GRCh38, 1-based): chr11:532,737, A>G on the plus strand (T>C on the coding strand, the complement: HRAS is on the minus strand). VCF-style: chr11-532737-A-G. GRCh37 (hg19) VCF-style: chr11-532737-A-G.
Other names: c.469T>C, p.Tyr157His (NM_001130442.3); c.232T>C, p.Tyr78His (NM_001318054.2); c.*38T>C (NM_176795.5); short protein forms Y157H, Y78H.
Identifiers: ClinVar variation 1008068 (VCV001008068.9), dbSNP rs1851182643, ClinGen allele CA378921197.